The following is an entry in ClinVar:

NM_000092.5(COL4A4):c.4603C>T (p.Gln1535Ter)

Gene: COL4A4 (collagen type IV alpha 4 chain; minus strand). Cytogenetic location: 2q36.3.
Variant type: single nucleotide variant.
Coding change: c.4603C>T on transcript NM_000092.5 (MANE Select); coding-DNA position 4603, C replaced by T.
Protein change: p.Gln1535Ter; replaces glutamine 1535 with a stop codon.
Molecular consequence: nonsense.
Genome position (GRCh38, 1-based): chr2:227,008,224, G>A on the plus strand (C>T on the coding strand, the complement: COL4A4 is on the minus strand). VCF-style: chr2-227008224-G-A. GRCh37 (hg19) VCF-style: chr2-227872940-G-A.
Other names: short protein forms Q1535*.
Identifiers: ClinVar variation 2003494 (VCV002003494.4), dbSNP rs2472613209, ClinGen allele CA351140868.

ClinVar aggregate classification (germline): Pathogenic (1 of 4 stars; one submission).

Submission:

Labcorp Genetics (formerly Invitae), Labcorp
Classification: Pathogenic. Last evaluated: 2022-06-08. Review status: criteria provided, single submitter. Criteria: Invitae Variant Classification Sherloc (09022015). Collection method: clinical testing. Allele origin: germline.
Comment: This sequence change creates a premature translational stop signal (p.Gln1535*) in the COL4A4 gene. It is expected to result in an absent or disrupted protein product. Loss-of-function variants in COL4A4 are known to be pathogenic (PMID: 21196518, 24854265, 25307543). This variant is not present in population databases (gnomAD no frequency). For these reasons, this variant has been classified as Pathogenic. This variant has not been reported in the literature in individuals affected with COL4A4-related conditions.

Literature cited by the submitters: PubMed 21196518; PubMed 24854265; PubMed 25307543.